The following is an entry in ClinVar:

NM_000059.4(BRCA2):c.6929C>A (p.Thr2310Asn)

Gene: BRCA2 (BRCA2 DNA repair associated; plus strand). Cytogenetic location: 13q13.1.
Variant type: single nucleotide variant.
Coding change: c.6929C>A on transcript NM_000059.4 (MANE Select); coding-DNA position 6929, C replaced by A.
Protein change: p.Thr2310Asn; replaces threonine 2310 with asparagine.
Molecular consequence: missense variant.
Genome position (GRCh38, 1-based): chr13:32,344,645, C>A. VCF-style: chr13-32344645-C-A. GRCh37 (hg19) VCF-style: chr13-32918782-C-A.
Other names: short protein forms T2310N.
Identifiers: ClinVar variation 52219 (VCV000052219.26), dbSNP rs276174886, ClinGen allele CA024564.

ClinVar aggregate classification (germline): Uncertain significance. Review status: criteria provided, multiple submitters, no conflicts (2 of 4 stars). 11 submissions from 10 submitters: Uncertain significance (10). 1 of the submissions does not count toward it. Last evaluated 2025-07-31.

Conditions:
Hereditary cancer-predisposing syndrome. Also called: Hereditary Cancer Syndrome; Tumor predisposition; Neoplastic Syndromes, Hereditary; Hereditary neoplastic syndrome. Identifiers: Orphanet 140162, MedGen C0027672, MeSH D009386, MONDO:0015356.
Hereditary breast ovarian cancer syndrome. Also called: Hereditary breast and ovarian cancer syndrome; Hereditary breast and ovarian cancer; Hereditary breast and ovarian cancer syndrome (HBOC); BRCA1- and BRCA2-Associated Hereditary Breast and Ovarian Cancer; Hereditary breast and/or ovarian cancer syndrome; Breast and ovarian cancer. Identifiers: Orphanet 145, MedGen C0677776, MeSH D061325, MONDO:0003582. Disease mechanism: loss of function.
Breast-ovarian cancer, familial, susceptibility to, 2 (BROVCA2). Also called: BRCA2 Hereditary Breast and Ovarian Cancer. Identifiers: Orphanet 145, MedGen C2675520, MONDO:0012933, OMIM 612555. Disease mechanism: loss of function.
Fanconi anemia complementation group D1. Also called: BRCA2-Related Fanconi Anemia. Identifiers: Orphanet 319462, MedGen C1838457, MONDO:0011584, OMIM 605724.
Familial cancer of breast. Also called: BREAST CANCER, FAMILIAL; hereditary breast carcinoma; Hereditary breast cancer. Identifiers: Orphanet 227535, MedGen C0346153, MONDO:0016419, OMIM 114480. Disease mechanism: loss of function.

Allele frequency attached by ClinVar (database versions not stated): ExAC 0.00003; gnomAD exomes 0.00003.
gnomAD v4.1: 19 of 1,563,728 alleles (0.0012%); highest among the groups gnomAD compares: South Asian, 0.017%; no homozygotes.

Submissions (11):

Labcorp Genetics (formerly Invitae), Labcorp
Classification: Uncertain significance for Hereditary breast ovarian cancer syndrome. Last evaluated: 2025-07-31. Review status: criteria provided, single submitter. Criteria: Invitae Variant Classification Sherloc (09022015). Collection method: clinical testing. Allele origin: germline.
Comment: This sequence change replaces threonine, which is neutral and polar, with asparagine, which is neutral and polar, at codon 2310 of the BRCA2 protein (p.Thr2310Asn). This variant is present in population databases (rs276174886, gnomAD 0.02%). This missense change has been observed in individual(s) with breast and/or ovarian cancer (PMID: 18627636, 29470806). ClinVar contains an entry for this variant (Variation ID: 52219). Invitae Evidence Modeling of protein sequence and biophysical properties (such as structural, functional, and spatial information, amino acid conservation, physicochemical variation, residue mobility, and thermodynamic stability) indicates that this missense variant is not expected to disrupt BRCA2 protein function with a negative predictive value of 95%. In summary, the available evidence is currently insufficient to determine the role of this variant in disease. Therefore, it has been classified as a Variant of Uncertain Significance.

GeneDx
Classification: Uncertain significance. Last evaluated: 2025-07-20. Review status: criteria provided, single submitter. Criteria: GeneDx Variant Classification Process June 2021. Collection method: clinical testing. Allele origin: germline. Affected: yes.
Comment: Published functional studies demonstrate ability to rescue cell lethality and no sensitivity to DNA damaging agents in a mouse embryonic stem cell (mESC)-based assay, comparable to wild-type (PMID: 33314489); In silico analysis suggests that this missense variant does not alter protein structure/function; Also known as 7157C>A; This variant is associated with the following publications: (PMID: 18627636, 35693198, 33314489, 29470806, 33471991)

Quest Diagnostics Nichols Institute San Juan Capistrano
Classification: Uncertain significance. Last evaluated: 2025-04-14. Review status: criteria provided, single submitter. Criteria: Quest Diagnostics criteria. Collection method: clinical testing. Allele origin: unknown.
Comment: The BRCA2 c.6929C>A (p.Thr2310Asn) variant has been reported in the published literature in individuals with breast and/or ovarian cancer ((PMID: 18627636 (2008), 33471991 (2021), see also LOVD), as well as in reportedly unaffected individuals (PMID: 33471991 (2021), see also LOVD). A functional study demonstrated that this variant is not damaging on protein function (PMID: 33314489 (2021)). The frequency of this variant in the general population (Genome Aggregation Database) is uninformative in the assessment of its pathogenicity. Analysis of this variant using bioinformatics tools for the prediction of the effect of amino acid changes on protein structure and function yielded conflicting predictions that this variant is benign or damaging. Based on the available information, we are unable to determine the clinical significance of this variant.

Color Diagnostics, LLC DBA Color Health
Classification: Uncertain significance for Hereditary cancer-predisposing syndrome. Last evaluated: 2024-07-16. Review status: criteria provided, single submitter. Criteria: ACMG Guidelines, 2015. Collection method: clinical testing. Allele origin: germline.
Comment: This missense variant replaces threonine with asparagine at codon 2310 of the BRCA2 protein. Computational prediction suggests that this variant may not impact protein structure and function. A functional study has shown that this variant does not impact cell viability or sensitivity to DNA damaging agents (PMID: 33314489). This variant has been reported in individuals affected with breast or ovarian cancer (PMID: 18627636, 29470806, 33314489). In a large breast cancer case-control study conducted by the BRIDGES consortium, this variant was reported in 1/60466 cases and 3/53461 unaffected controls (PMID: 33471991; Leiden Open Variation Database DB-ID BRCA2_008541). This variant has been identified in 7/249990 chromosomes in the general population by the Genome Aggregation Database (gnomAD). The available evidence is insufficient to determine the role of this variant in disease conclusively. Therefore, this variant is classified as a Variant of Uncertain Significance.

Ambry Genetics
Classification: Uncertain significance for Hereditary cancer-predisposing syndrome. Last evaluated: 2024-03-27. Review status: criteria provided, single submitter. Criteria: Ambry Variant Classification Scheme 2023. Collection method: clinical testing. Allele origin: germline.
Comment: The p.T2310N variant (also known as c.6929C>A), located in coding exon 11 of the BRCA2 gene, results from a C to A substitution at nucleotide position 6929. The threonine at codon 2310 is replaced by asparagine, an amino acid with similar properties. This alteration has been identified in multiple individuals with a personal and/or family history of breast and/or ovarian cancer (Thirthagiri E et al. Breast Cancer Res., 2008 Jul;10:R59; Singh J et al. Breast Cancer Res. Treat., 2018 Jul;170:189-196). In one study, functional analysis of this alteration indicates no effect on cell viability or sensitivity to DNA damaging agents (Sullivan T et al. Hum Mutat, 2021 Feb;42:200-212). Of note, this alteration is also known as 7157C>A in published literature. This amino acid position is well conserved in available vertebrate species. In addition, the in silico prediction for this alteration is inconclusive. Based on the available evidence, the clinical significance of this alteration remains unclear.

All of Us Research Program, National Institutes of Health
Classification: Uncertain significance for Breast-ovarian cancer, familial, susceptibility to, 2. Last evaluated: 2023-12-13. Review status: criteria provided, single submitter. Criteria: ACMG Guidelines, 2015. Collection method: clinical testing. Allele origin: germline. Inheritance: Autosomal dominant inheritance. Observed: 2 variant alleles, 2 heterozygotes.
Comment: This missense variant replaces threonine with asparagine at codon 2310 of the BRCA2 protein. Computational prediction suggests that this variant may not impact protein structure and function (internally defined REVEL score threshold <= 0.5, PMID: 27666373). A functional study has shown that this variant does not impact cell viability or sensitivity to DNA damaging agents (PMID: 33314489). This variant has been reported in individuals affected with breast or ovarian cancer (PMID: 18627636, 29470806, 33314489). In a large breast cancer case-control study conducted by the BRIDGES consortium, this variant was reported in 1/60466 cases and 3/53461 unaffected controls (PMID: 33471991; Leiden Open Variation Database DB-ID BRCA2_008541). This variant has been identified in 7/249990 chromosomes in the general population by the Genome Aggregation Database (gnomAD). The available evidence is insufficient to determine the role of this variant in disease conclusively. Therefore, this variant is classified as a Variant of Uncertain Significance.

This study involves interpretation of variants in research participants for the purpose of population health screening. Participant phenotype was not available at the time of variant classification. Additional details can be found in publication PMID: 35346344, PMCID: PMC8962531

KCCC/NGS Laboratory, Kuwait Cancer Control Center
Classification: Uncertain significance for Familial cancer of breast. Last evaluated: 2023-08-07. Review status: criteria provided, single submitter. Criteria: ACMG Guidelines, 2015. Collection method: clinical testing. Allele origin: germline. Inheritance: Autosomal dominant inheritance. Affected: yes. Observed: 1 heterozygote.
Comment: This sequence change replaces threonine, which is neutral and polar, with asparagine, which is neutral and polar, at codon 2310 of the BRCA2 protein (p.Thr2310Asn). This variant is present in population databases (rs276174886, gnomAD 0.02%). This missense change has been observed in individual(s) with breast and/or ovarian cancer (PMID: 18627636, 29470806). ClinVar contains an entry for this variant (Variation ID: 52219) classified as uncertain significance . This amino acid position is well moderately conserved (PhyloP=3.19).In addition, this alteration is predicted to be tolerated by in silico analysis. In summary, the available evidence is currently insufficient to determine the role of this variant in disease. Therefore, it has been classified as a Variant of Uncertain Significance

Genetics and Molecular Pathology, SA Pathology
Classification: Uncertain significance for Breast-ovarian cancer, familial, susceptibility to, 2. Last evaluated: 2020-11-09. Review status: criteria provided, single submitter. Criteria: ACMG Guidelines, 2015. Collection method: clinical testing. Allele origin: germline. Affected: yes.

Neuberg Centre For Genomic Medicine, NCGM
Classification: Uncertain significance for Fanconi anemia complementation group D1. Review status: criteria provided, single submitter. Criteria: ACMG Guidelines, 2015. Collection method: clinical testing. Allele origin: germline. Inheritance: Autosomal recessive inheritance. Affected: yes.
Comment: The missense variant c.6929C>A (p.Thr2310Asn) in BRCA2 gene has been observed in several individuals affected with breast and/or ovarian cancer (Singh J et al., 2018). This variant is reported with the allele frequency (0.0028%) in the gnomad and novel in 1000 genome database. This variant has been reported to the ClinVar database as Uncertain significance. The amino acid Thr at position 2310 is changed to a Asn changing protein sequence and it might alter its composition and physico-chemical properties. The amino acid change p.Thr2310Asn in BRCA2 is predicted as conserved by GERP++ and PhyloP across 100 vertebrates. For these reasons, this variant has been classified as Uncertain Significance (VUS).

Neuberg Centre For Genomic Medicine, NCGM
Classification: Uncertain significance for Breast-ovarian cancer, familial, susceptibility to, 2. Review status: criteria provided, single submitter. Criteria: ACMG Guidelines, 2015. Collection method: clinical testing. Allele origin: germline. Inheritance: Autosomal dominant inheritance. Affected: yes.
Comment: The missense variant p.T2310N in BRCA2 (NM_000059.4) has been reported in patients affected with breast and ovarian cancer ( Singh J et al, Thirthagiri E et al). The missense variant c.6929C>A (p.T2310N) in BRCA2 (NM_000059.4) is observed in 6/30556 (0.0196%) alleles from individuals of South Asian background in the gnomAD dataset (Exome Aggregation Consortium et al., 2016), but was not seen in the homozygous state.It has been submitted to ClinVar as Uncertain Significance. The p.T2310N missense variant are contradictory in their predictions (SIFT-Tolerated, Polyphen-2-Damaging). The nucleotide c.6929 in BRCA2 is predicted conserved by GERP++ and PhyloP across 100 vertebrates. For these reasons, this variant has been classified as Uncertain Significance.

Breast Cancer Information Core (BIC) (BRCA2)
Classification: Uncertain significance for Breast-ovarian cancer, familial 2. Last evaluated: 2010-09-18. Review status: no assertion criteria provided. Collection method: clinical testing. Allele origin: germline. Affected: yes. Observed: 1 variant allele. Not counted in ClinVar's aggregate classification.

Literature cited by the submitters: PubMed 18627636 (cited by 5 submitters); PubMed 29470806 (cited by 5 submitters); PubMed 33471991 (cited by 3 submitters); PubMed 33314489 (cited by 4 submitters).